The following is an entry in ClinVar:

NC_000007.13:g.(?_73482987)_(73484237_?)del

Gene: ELN (elastin; plus strand). Cytogenetic location: 7q11.23.
Variant type: Deletion.
Identifiers: ClinVar variation 417567 (VCV000417567.1).

ClinVar aggregate classification (germline): Pathogenic (1 of 4 stars; one submission).

Conditions:
Supravalvar aortic stenosis (SVAS). Also called: Supravalvar aortic stenosis, Eisenberg type. Identifiers: Orphanet 3193, MedGen C0003499, MONDO:0008504, OMIM 185500, HP:0004381.

Submission:

Labcorp Genetics (formerly Invitae), Labcorp
Classification: Pathogenic for Supravalvar aortic stenosis. Last evaluated: 2016-12-25. Review status: criteria provided, single submitter. Criteria: Invitae Variant Classification Sherloc (09022015). Collection method: clinical testing. Allele origin: germline.
Comment: This variant is a gross deletion of the genomic region encompassing exon 34 (last exon) of the ELN gene. The 5' boundary is likely confined to intron 33. The 3' end of this event is unknown as it extends through the termination codon beyond the assayed region for this gene and may encompass additional genes. While this deletion is not anticipated to result in nonsense mediated decay, it is expected to create a truncated ELN protein. While this particular variant has not been reported in the literature, a truncating variant in exon 34 of the ELN gene has been reported to be deleterious in a family affected with cutis laxa (PMID: 23442826). In summary, this particular variant deletes the last exon of the ELN gene where a truncation has been reported to be deleterious. For these reasons, this variant has been classified as Pathogenic.